The following is an entry in ClinVar:

NM_000260.4(MYO7A):c.4592T>C (p.Leu1531Pro)

Gene: MYO7A (myosin VIIA; plus strand). Cytogenetic location: 11q13.5.
Variant type: single nucleotide variant.
Coding change: c.4592T>C on transcript NM_000260.4 (MANE Select); coding-DNA position 4592, T replaced by C.
Protein change: p.Leu1531Pro; replaces leucine 1531 with proline.
Molecular consequence: missense variant. On other transcripts: intron variant (2).
Genome position (GRCh38, 1-based): chr11:77,199,558, T>C. VCF-style: chr11-77199558-T-C. GRCh37 (hg19) VCF-style: chr11-76910603-T-C.
Other names: c.4536-91T>C (NM_001369365.1); c.4569-91T>C (NM_001127180.2); short protein forms L1531P.
Identifiers: ClinVar variation 1023140 (VCV001023140.7), dbSNP rs1956914595, ClinGen allele CA381950535.

ClinVar aggregate classification (germline): Uncertain significance. Review status: criteria provided, single submitter (1 of 4 stars). 2 submissions from 2 submitters: Uncertain significance (1). 1 of the submissions does not count toward it. Last evaluated 2021-09-01.

Conditions:
Usher syndrome type 1B (USH1B). Also called: Usher syndrome type IB. Identifiers: MedGen C1848638, MONDO:0700087.

Submissions (2):

Labcorp Genetics (formerly Invitae), Labcorp
Classification: Uncertain significance. Last evaluated: 2021-09-01. Review status: criteria provided, single submitter. Criteria: Invitae Variant Classification Sherloc (09022015). Collection method: clinical testing. Allele origin: germline.
Comment: This sequence change replaces leucine with proline at codon 1531 of the MYO7A protein (p.Leu1531Pro). The leucine residue is weakly conserved and there is a moderate physicochemical difference between leucine and proline. The frequency data for this variant in the population databases is considered unreliable, as metrics indicate insufficient coverage at this position in the ExAC database. This variant has not been reported in the literature in individuals affected with MYO7A-related conditions. Algorithms developed to predict the effect of missense changes on protein structure and function are either unavailable or do not agree on the potential impact of this missense change (SIFT: "Deleterious"; PolyPhen-2: "Benign"; Align-GVGD: "Class C0"). In summary, the available evidence is currently insufficient to determine the role of this variant in disease. Therefore, it has been classified as a Variant of Uncertain Significance.

Natera, Inc.
Classification: Uncertain significance for Usher syndrome type 1B. Last evaluated: 2020-02-25. Review status: no assertion criteria provided. Collection method: clinical testing. Allele origin: germline. Not counted in ClinVar's aggregate classification.